The following is an entry in ClinVar:

ClinVar aggregate classification (germline): Uncertain significance (1 of 4 stars; one submission).

Conditions:
Hereditary cancer-predisposing syndrome. Also called: Neoplastic Syndromes, Hereditary; Tumor predisposition; Hereditary Cancer Syndrome; Hereditary neoplastic syndrome. Identifiers: Orphanet 140162, MedGen C0027672, MeSH D009386, MONDO:0015356.

Submission:

Color Diagnostics, LLC DBA Color Health
Classification: Uncertain significance for Hereditary cancer-predisposing syndrome. Last evaluated: 2023-12-05. Review status: criteria provided, single submitter. Criteria: ACMG Guidelines, 2015. Collection method: clinical testing. Allele origin: germline.
Comment: This missense variant replaces serine with asparagine at codon 76 of the BARD1 protein. Computational prediction tools and conservation analyses are inconclusive regarding the impact of this variant on the protein function. Computational splicing tools suggest that this variant may not impact RNA splicing. To our knowledge, functional assays have not been performed for this variant nor has this variant been reported in individuals affected with hereditary cancer in the literature. This variant has not been identified in the general population by the Genome Aggregation Database (gnomAD). Available evidence is insufficient to determine the role of this variant in disease conclusively. Therefore, this variant is classified as a Variant of Uncertain Significance.

NM_000465.4(BARD1):c.227G>A (p.Ser76Asn)

Gene: BARD1 (BRCA1 associated RING domain 1; minus strand). Cytogenetic location: 2q35.
Variant type: single nucleotide variant.
Coding change: c.227G>A on transcript NM_000465.4 (MANE Select); coding-DNA position 227, G replaced by A.
Protein change: p.Ser76Asn; replaces serine 76 with asparagine.
Molecular consequence: missense variant. On other transcripts: non-coding transcript variant (1), intron variant (2).
Genome position (GRCh38, 1-based): chr2:214,792,434, C>T on the plus strand (G>A on the coding strand, the complement: BARD1 is on the minus strand). VCF-style: chr2-214792434-C-T. GRCh37 (hg19) VCF-style: chr2-215657158-C-T.
Other names: c.170G>A, p.Ser57Asn (NM_001282543.2); c.227G>A, p.Ser76Asn (NM_001282549.2); c.158+16978G>A (NM_001282548.2); c.215+4627G>A (NM_001282545.2); short protein forms S76N, S57N.
Identifiers: ClinVar variation 923318 (VCV000923318.5), dbSNP rs1695568047, ClinGen allele CA350461318.